The following is an entry in ClinVar:

NM_001130965.3(SUN1):c.1519G>C (p.Glu507Gln)

Gene: SUN1 (Sad1 and UNC84 domain containing 1; plus strand). Cytogenetic location: 7p22.3.
Variant type: single nucleotide variant.
Coding change: c.1519G>C on transcript NM_001130965.3 (MANE Select); coding-DNA position 1519, G replaced by C.
Protein change: p.Glu507Gln; replaces glutamic acid 507 with glutamine.
Molecular consequence: missense variant. On other transcripts: non-coding transcript variant (3).
Genome position (GRCh38, 1-based): chr7:857,952, G>C. VCF-style: chr7-857952-G-C. GRCh37 (hg19) VCF-style: chr7-897589-G-C.
Other names: c.1210G>C, p.Glu404Gln (NM_001171944.2); c.1519G>C, p.Glu507Gln (NM_001367633.1, NM_001367634.1, NM_001367653.1); c.1168G>C, p.Glu390Gln (NM_001367635.1); c.1759G>C, p.Glu587Gln (NM_001367636.1, NM_001367691.1); c.1627G>C, p.Glu543Gln (NM_001367638.1); c.1060G>C, p.Glu354Gln (NM_001367639.1); c.1699G>C, p.Glu567Gln (NM_001367640.1); c.1801G>C, p.Glu601Gln (NM_001367641.1, NM_001367682.1); and 43 more; short protein forms E318Q, E404Q, E461Q, E485Q, E511Q, E522Q, E544Q, E550Q.
Identifiers: ClinVar variation 2038153 (VCV002038153.4), dbSNP rs775324610, ClinGen allele CA4112263.

ClinVar aggregate classification (germline): Uncertain significance (1 of 4 stars; one submission).

Conditions:
Emery-Dreifuss muscular dystrophy (EDMD). Also called: Scapuloperoneal syndrome, X-linked (formerly); Humeroperoneal neuromuscular disease, (formerly). Identifiers: Orphanet 261, MedGen C0410189, MONDO:0016830.

Allele frequency attached by ClinVar (database versions not stated): gnomAD exomes 0.00001; ExAC 0.00003; TOPMed 0.00005; gnomAD 0.00009.
gnomAD v4.1: 31 of 1,565,024 alleles (0.002%); highest among the groups gnomAD compares: African/African-American, 0.039%; no homozygotes.

Submission:

Labcorp Genetics (formerly Invitae), Labcorp
Classification: Uncertain significance for Emery-Dreifuss muscular dystrophy. Last evaluated: 2022-09-27. Review status: criteria provided, single submitter. Criteria: Invitae Variant Classification Sherloc (09022015). Collection method: clinical testing. Allele origin: germline.
Comment: In summary, the available evidence is currently insufficient to determine the role of this variant in disease. Therefore, it has been classified as a Variant of Uncertain Significance. Algorithms developed to predict the effect of missense changes on protein structure and function (SIFT, PolyPhen-2, Align-GVGD) all suggest that this variant is likely to be tolerated. This variant has not been reported in the literature in individuals affected with SUN1-related conditions. This variant is present in population databases (rs775324610, gnomAD 0.03%). This sequence change replaces glutamic acid, which is acidic and polar, with glutamine, which is neutral and polar, at codon 507 of the SUN1 protein (p.Glu507Gln).